The following is an entry in ClinVar:

NM_007272.3(CTRC):c.710T>G (p.Phe237Cys)

Gene: CTRC (chymotrypsin C; plus strand). Cytogenetic location: 1p36.21.
Variant type: single nucleotide variant.
Coding change: c.710T>G on transcript NM_007272.3 (MANE Select); coding-DNA position 710, T replaced by G.
Protein change: p.Phe237Cys; replaces phenylalanine 237 with cysteine.
Molecular consequence: missense variant.
Genome position (GRCh38, 1-based): chr1:15,445,667, T>G. VCF-style: chr1-15445667-T-G. GRCh37 (hg19) VCF-style: chr1-15772162-T-G.
Other names: short protein forms F237C.
Identifiers: ClinVar variation 4008124 (VCV004008124.1).
Genomic context (GRCh38, chr1:15,445,667, plus strand): 5'-GTGGCCCACTGAACTGCCAGTTGGAGAACGGTTCCTGGGAGGTGTTTGGCATCGTCAGCT[T>G]TGGCTCCCGGCGGGGCTGCAACACCCGCAAGAAGCCGGTAGTCTACACCCGGGTGTCCGC-3'
Protein context (NP_009203.2, residues 227-247): GSWEVFGIVS[Phe237Cys]GSRRGCNTRK

ClinVar aggregate classification (germline): Uncertain significance (1 of 4 stars; one submission).

Conditions:
Hereditary pancreatitis (PCTT). Also called: Hereditary chronic pancreatitis; PRSS1-Related Hereditary Pancreatitis. Identifiers: Orphanet 676, MedGen C0238339, MONDO:0008185, OMIM 167800.

Submission:

Ambry Genetics
Classification: Uncertain significance for Hereditary pancreatitis. Last evaluated: 2025-05-16. Review status: criteria provided, single submitter. Criteria: Ambry Variant Classification Scheme 2023. Collection method: clinical testing. Allele origin: germline.
Comment: The p.F237C variant (also known as c.710T>G), located in coding exon 7 of the CTRC gene, results from a T to G substitution at nucleotide position 710. The phenylalanine at codon 237 is replaced by cysteine, an amino acid with highly dissimilar properties. This amino acid position is conserved. In addition, this alteration is predicted to be deleterious by in silico analysis. Based on the available evidence, the clinical significance of this variant remains unclear.